The following is an entry in ClinVar:

NM_205836.3(FBXO38):c.1958A>G (p.Asn653Ser)

Gene: FBXO38 (F-box protein 38; plus strand). Cytogenetic location: 5q32.
Variant type: single nucleotide variant.
Coding change: c.1958A>G on transcript NM_205836.3 (MANE Select); coding-DNA position 1958, A replaced by G.
Protein change: p.Asn653Ser; replaces asparagine 653 with serine.
Molecular consequence: missense variant. On other transcripts: intron variant (1).
Genome position (GRCh38, 1-based): chr5:148,427,252, A>G. VCF-style: chr5-148427252-A-G. GRCh37 (hg19) VCF-style: chr5-147806815-A-G.
Other names: c.1958A>G, p.Asn653Ser (NM_030793.5); c.1918+1551A>G (NM_001271723.2); c.1958A>G (NM_205836.1); short protein forms N653S.
Identifiers: ClinVar variation 767467 (VCV000767467.14), dbSNP rs140204686, ClinGen allele CA3497428.

ClinVar aggregate classification (germline): Likely benign. Review status: criteria provided, multiple submitters, no conflicts (2 of 4 stars). 3 submissions from 3 submitters: Likely benign (3). Last evaluated 2026-03-09.

Conditions:
Distal hereditary motor neuropathy type 2. Identifiers: Orphanet 139525, MedGen C3711384, MeSH C580044, MONDO:0015352.
FBXO38-related disorder. Also called: FBXO38-related condition.

Allele frequency attached by ClinVar (database versions not stated): gnomAD 0.00020 and 0.00019; TOPMed 0.00021; ESP Exome Variant Server 0.00023; 1000 Genomes Project 30x 0.00031; gnomAD exomes 0.00007; ExAC 0.00008; 1000 Genomes Project 0.00020.
gnomAD v4.1: 62 of 1,613,808 alleles (0.0038%); highest among the groups gnomAD compares: African/African-American, 0.071%; no homozygotes.

Submissions (3):

PreventionGenetics, part of Exact Sciences
Classification: Likely benign for FBXO38-related condition. Last evaluated: 2026-03-09. Review status: criteria provided, single submitter. Criteria: ACMG Guidelines, 2015. Collection method: clinical testing. Allele origin: germline.
Comment: This variant is classified as likely benign based on ACMG/AMP sequence variant interpretation guidelines (Richards et al. 2015 PMID: 25741868, with internal and published modifications).

Labcorp Genetics (formerly Invitae), Labcorp
Classification: Likely benign for Distal hereditary motor neuropathy type 2. Last evaluated: 2025-03-18. Review status: criteria provided, single submitter. Criteria: Invitae Variant Classification Sherloc (09022015). Collection method: clinical testing. Allele origin: germline.

Ambry Genetics
Classification: Likely benign. Last evaluated: 2023-06-21. Review status: criteria provided, single submitter. Criteria: Ambry Variant Classification Scheme 2023. Collection method: clinical testing. Allele origin: germline.